The following is an entry in ClinVar:

ClinVar aggregate classification (germline): Uncertain significance (1 of 4 stars; one submission).

Allele frequency attached by ClinVar (database versions not stated): gnomAD exomes 0.00001 and 0.00003; TOPMed 0.00003; ExAC 0.00004; gnomAD 0.00004; ESP Exome Variant Server 0.00008.
gnomAD v4.1: 25 of 1,613,726 alleles (0.0015%); highest among the groups gnomAD compares: Non-Finnish European, 0.0017%; no homozygotes.

Submission:

Labcorp Genetics (formerly Invitae), Labcorp
Classification: Uncertain significance. Last evaluated: 2021-10-25. Review status: criteria provided, single submitter. Criteria: Invitae Variant Classification Sherloc (09022015). Collection method: clinical testing. Allele origin: germline.
Comment: This sequence change replaces glutamic acid with lysine at codon 2337 of the PCLO protein (p.Glu2337Lys). The glutamic acid residue is weakly conserved and there is a small physicochemical difference between glutamic acid and lysine. This variant is present in population databases (rs370714669, ExAC 0.01%). This variant has not been reported in the literature in individuals affected with PCLO-related conditions. Algorithms developed to predict the effect of missense changes on protein structure and function output the following: SIFT: "Tolerated"; PolyPhen-2: "Not Available"; Align-GVGD: "Class C0". The lysine amino acid residue is found in multiple mammalian species, which suggests that this missense change does not adversely affect protein function. In summary, the available evidence is currently insufficient to determine the role of this variant in disease. Therefore, it has been classified as a Variant of Uncertain Significance.

NM_033026.6(PCLO):c.7009G>A (p.Glu2337Lys)

Gene: PCLO (piccolo presynaptic cytomatrix protein; minus strand). Cytogenetic location: 7q21.11.
Variant type: single nucleotide variant.
Coding change: c.7009G>A on transcript NM_033026.6 (MANE Select); coding-DNA position 7009, G replaced by A.
Protein change: p.Glu2337Lys; replaces glutamic acid 2337 with lysine.
Molecular consequence: missense variant.
Genome position (GRCh38, 1-based): chr7:82,953,944, C>T on the plus strand (G>A on the coding strand, the complement: PCLO is on the minus strand). VCF-style: chr7-82953944-C-T. GRCh37 (hg19) VCF-style: chr7-82583260-C-T.
Other names: c.7009G>A, p.Glu2337Lys (NM_014510.3); short protein forms E2337K.
Identifiers: ClinVar variation 1391540 (VCV001391540.3), dbSNP rs370714669, ClinGen allele CA4320371.